The following is an entry in ClinVar:

ClinVar aggregate classification (germline): Likely pathogenic (1 of 4 stars; one submission).

Conditions:
Gaucher disease. Also called: Acute cerebral Gaucher disease; Cerebroside lipidosis syndrome; Gaucher splenomegaly; Sphingolipidosis 1; Glucocerebrosidosis; Glucosylceramidase deficiency. Identifiers: Orphanet 355, MedGen C0017205, MONDO:0018150.

gnomAD v4.1: 1 of 1,614,152 alleles (0.000062%); highest among the groups gnomAD compares: East Asian, 0.0022%; no homozygotes.

Submission:

Natera, Inc.
Classification: Likely pathogenic for Gaucher disease. Last evaluated: 2026-01-29. Review status: criteria provided, single submitter. Criteria: Natera Variant Classification Schema (03/2026). Collection method: clinical testing. Allele origin: germline.
Comment: The c.1325T>C variant in GBA1 is a missense variant predicted to cause substitution of isoleucine to threonine at amino acid 442. This variant is rare in the general population with a frequency below the threshold expected for the associated phenotype(s). This variant has been observed in one or more individuals affected with the associated recessive disease, as either homozygous or compound heterozygous with a second variant (PMID: 33176831, 37249220). Computational prediction algorithms indicate this variant is likely to affect gene or protein function. Given the available evidence, this variant is classified as Likely Pathogenic.

Literature cited by the submitters: PubMed 33176831; PubMed 37249220.

NM_000157.4(GBA1):c.1325T>C (p.Ile442Thr)

Genes: GBA1 (glucosylceramidase beta 1; minus strand), LOC106627981 (GBA recombination region; plus strand). Cytogenetic location: 1q22.
Variant type: single nucleotide variant.
Coding change: c.1325T>C on transcript NM_000157.4 (MANE Select); coding-DNA position 1325, T replaced by C.
Protein change: p.Ile442Thr; replaces isoleucine 442 with threonine.
Molecular consequence: missense variant.
Genome position (GRCh38, 1-based): chr1:155,235,744, A>G on the plus strand (T>C on the coding strand, the complement: GBA1 is on the minus strand). VCF-style: chr1-155235744-A-G. GRCh37 (hg19) VCF-style: chr1-155205535-A-G.
Other names: c.1325T>C, p.Ile442Thr (NM_001005741.3, NM_001005742.3); c.1064T>C, p.Ile355Thr (NM_001171811.2); c.1178T>C, p.Ile393Thr (NM_001171812.2); short protein forms I355T, I393T, I442T.
Identifiers: ClinVar variation 4817714 (VCV004817714.1).